The following is an entry in ClinVar:

NM_005359.6(SMAD4):c.513G>A (p.Ser171=)

Gene: SMAD4 (SMAD family member 4; plus strand). Cytogenetic location: 18q21.2.
Variant type: single nucleotide variant.
Coding change: c.513G>A on transcript NM_005359.6 (MANE Select); coding-DNA position 513, G replaced by A.
Protein change: p.Ser171=; no amino-acid change (serine 171 retained).
Molecular consequence: synonymous variant.
Genome position (GRCh38, 1-based): chr18:51,054,839, G>A. VCF-style: chr18-51054839-G-A. GRCh37 (hg19) VCF-style: chr18-48581209-G-A.
Identifiers: ClinVar variation 1657471 (VCV001657471.13), dbSNP rs1210446538, ClinGen allele CA503873695.

ClinVar aggregate classification (germline): Benign/Likely benign. Review status: criteria provided, multiple submitters, no conflicts (2 of 4 stars). 4 submissions from 4 submitters: Benign (1); Likely benign (3). Last evaluated 2025-05-07.

Conditions:
Familial thoracic aortic aneurysm and aortic dissection (TAAD). Also called: Thoracic aortic aneurysms and dissections. Identifiers: Orphanet 91387, MedGen C4707243, MONDO:0019625.
Hereditary cancer-predisposing syndrome. Also called: Neoplastic Syndromes, Hereditary; Tumor predisposition; Hereditary Cancer Syndrome; Hereditary neoplastic syndrome. Identifiers: Orphanet 140162, MedGen C0027672, MeSH D009386, MONDO:0015356.
Juvenile polyposis syndrome (JPS). Identifiers: Orphanet 2929, MedGen C0345893, MONDO:0017380, OMIM 174900.
Juvenile polyposis/hereditary hemorrhagic telangiectasia syndrome (JPHT). Also called: Juvenile Polyposis Syndrome / Hereditary Hemorrhagic Telangiectasia (JPS/HHT); JP/HHT SYNDROME; JUVENILE POLYPOSIS WITH HEREDITARY HEMORRHAGIC TELANGIECTASIA; POLYPOSIS, GENERALIZED JUVENILE, WITH PULMONARY ARTERIOVENOUS MALFORMATION; TELANGIECTASIA, HEREDITARY HEMORRHAGIC, WITH JUVENILE POLYPOSIS COLI. Identifiers: Orphanet 2929, MedGen C1832942, MONDO:0008278, OMIM 175050.

Allele frequency attached by ClinVar (database versions not stated): TOPMed below 0.00001.
gnomAD v4.1: 10 of 1,613,944 alleles (0.00062%); highest among the groups gnomAD compares: South Asian, 0.0011%; no homozygotes.

Submissions (4):

Labcorp Genetics (formerly Invitae), Labcorp
Classification: Likely benign for Juvenile polyposis syndrome. Last evaluated: 2025-05-07. Review status: criteria provided, single submitter. Criteria: Invitae Variant Classification Sherloc (09022015). Collection method: clinical testing. Allele origin: germline.

Myriad Genetics, Inc.
Classification: Benign for Juvenile polyposis/hereditary hemorrhagic telangiectasia syndrome. Last evaluated: 2025-03-19. Review status: criteria provided, single submitter. Criteria: Myriad Autosomal Dominant, Autosomal Recessive and X-Linked Classification Criteria (2023). Collection method: clinical testing. Allele origin: unknown.
Comment: This variant is considered benign. This variant is a silent/synonymous amino acid change and it is not expected to impact splicing.

Ambry Genetics
Classification: Likely benign for Hereditary cancer-predisposing syndrome; Familial thoracic aortic aneurysm and aortic dissection. Last evaluated: 2024-12-23. Review status: criteria provided, single submitter. Criteria: Ambry Variant Classification Scheme 2023. Collection method: clinical testing. Allele origin: germline.

All of Us Research Program, National Institutes of Health
Classification: Likely benign for Juvenile polyposis/hereditary hemorrhagic telangiectasia syndrome. Last evaluated: 2024-04-16. Review status: criteria provided, single submitter. Criteria: ACMG Guidelines, 2015. Collection method: clinical testing. Allele origin: germline. Inheritance: Autosomal dominant inheritance. Observed: 1 variant allele, 1 heterozygote.
Comment: This study involves interpretation of variants in research participants for the purpose of population health screening. Participant phenotype was not available at the time of variant classification. Additional details can be found in publication PMID: 35346344, PMCID: PMC8962531